The following is an entry in ClinVar:

NM_080680.3(COL11A2):c.3829C>G (p.Pro1277Ala)

Gene: COL11A2 (collagen type XI alpha 2 chain; minus strand). Cytogenetic location: 6p21.32.
Variant type: single nucleotide variant.
Coding change: c.3829C>G on transcript NM_080680.3 (MANE Select); coding-DNA position 3829, C replaced by G.
Protein change: p.Pro1277Ala; replaces proline 1277 with alanine.
Molecular consequence: missense variant.
Genome position (GRCh38, 1-based): chr6:33,168,978, G>C on the plus strand (C>G on the coding strand, the complement: COL11A2 is on the minus strand). VCF-style: chr6-33168978-G-C. GRCh37 (hg19) VCF-style: chr6-33136755-G-C.
Other names: c.3508C>G, p.Pro1170Ala (NM_080679.3); c.3571C>G, p.Pro1191Ala (NM_080681.3); short protein forms P1170A, P1191A, P1277A.
Identifiers: ClinVar variation 1719621 (VCV001719621.3), dbSNP rs1769629926, ClinGen allele CA363627143.

ClinVar aggregate classification (germline): Uncertain significance (1 of 4 stars; one submission).

Allele frequency attached by ClinVar (database versions not stated): TOPMed below 0.00001.

Submission:

Labcorp Genetics (formerly Invitae), Labcorp
Classification: Uncertain significance. Last evaluated: 2022-10-07. Review status: criteria provided, single submitter. Criteria: Invitae Variant Classification Sherloc (09022015). Collection method: clinical testing. Allele origin: germline.
Comment: This sequence change replaces proline, which is neutral and non-polar, with alanine, which is neutral and non-polar, at codon 1277 of the COL11A2 protein (p.Pro1277Ala). This variant is not present in population databases (gnomAD no frequency). This variant has not been reported in the literature in individuals affected with COL11A2-related conditions. Advanced modeling of protein sequence and biophysical properties (such as structural, functional, and spatial information, amino acid conservation, physicochemical variation, residue mobility, and thermodynamic stability) performed at Invitae indicates that this missense variant is not expected to disrupt COL11A2 protein function. In summary, the available evidence is currently insufficient to determine the role of this variant in disease. Therefore, it has been classified as a Variant of Uncertain Significance.